The following is an entry in ClinVar:

NM_032119.4(ADGRV1):c.6086C>T (p.Pro2029Leu)

Gene: ADGRV1 (adhesion G protein-coupled receptor V1; plus strand). Cytogenetic location: 5q14.3.
Variant type: single nucleotide variant.
Coding change: c.6086C>T on transcript NM_032119.4 (MANE Select); coding-DNA position 6086, C replaced by T.
Protein change: p.Pro2029Leu; replaces proline 2029 with leucine.
Molecular consequence: missense variant. On other transcripts: non-coding transcript variant (1).
Genome position (GRCh38, 1-based): chr5:90,684,007, C>T. VCF-style: chr5-90684007-C-T. GRCh37 (hg19) VCF-style: chr5-89979824-C-T.
Other names: short protein forms P2029L.
Identifiers: ClinVar variation 1103677 (VCV001103677.13), dbSNP rs200854813, ClinGen allele CA3339706.
Genomic context (GRCh38, chr5:90,684,007, plus strand): 5'-GAAAAGTCCTTGTCTCATATGCAACACTAGATGATATGGAAAAACCACCTTATTTTCCAC[C>T]TAATTTAGCGAGAGCAACTCAAGGAAGAGACTATATACCAGCTTCTGGATTTGCTCTTTT-3'
Protein context (NP_115495.3, residues 2019-2039): DDMEKPPYFP[Pro2029Leu]NLARATQGRD

ClinVar aggregate classification (germline): Likely benign. Review status: criteria provided, multiple submitters, no conflicts (2 of 4 stars). 6 submissions from 6 submitters: Likely benign (6). Last evaluated 2026-01-28.

Conditions:
ADGRV1-related disorder. Also called: ADGRV1-related condition; ADGRV1-related disorders.
Usher syndrome type 2C. Also called: USHER SYNDROME, TYPE IIC; Usher syndrome, type 2B. Identifiers: Orphanet 231178, Orphanet 886, MedGen C2931213, MONDO:0011558, OMIM 605472.
Febrile seizures, familial, 4 (FEB4). Also called: CONVULSIONS, FAMILIAL FEBRILE, 4. Identifiers: MedGen C1858493, MONDO:0011443, OMIM 604352.

Allele frequency attached by ClinVar (database versions not stated): 1000 Genomes Project 30x 0.00031; gnomAD 0.00065 and 0.00074; gnomAD exomes 0.00004 and 0.00014; 1000 Genomes Project 0.00020; ExAC 0.00022; TOPMed 0.00082; ESP Exome Variant Server 0.00101.
gnomAD v4.1: 155 of 1,613,768 alleles (0.0096%); highest among the groups gnomAD compares: African/African-American, 0.2%; no homozygotes.

Submissions (6):

Labcorp Genetics (formerly Invitae), Labcorp
Classification: Likely benign. Last evaluated: 2026-01-28. Review status: criteria provided, single submitter. Criteria: Invitae Variant Classification Sherloc (09022015). Collection method: clinical testing. Allele origin: germline.

Women's Health and Genetics/Laboratory Corporation of America, LabCorp
Classification: Likely benign. Last evaluated: 2024-12-10. Review status: criteria provided, single submitter. Criteria: LabCorp Variant Classification Summary - May 2015. Collection method: clinical testing. Allele origin: germline.
Comment: Variant summary: ADGRV1 c.6086C>T (p.Pro2029Leu) results in a non-conservative amino acid change in the encoded protein sequence. Four of five in-silico tools predict a damaging effect of the variant on protein function. The variant allele was found at a frequency of 0.00024 in 280086 control chromosomes, predominantly at a frequency of 0.0026 within the African or African-American subpopulation in the gnomAD database. The observed variant frequency within African or African-American control individuals in the gnomAD database exceeds the estimated maximal expected allele frequency for a pathogenic variant in ADGRV1 causing ADGRV1-Related Disorders phenotype. c.6086C>T has been reported in the literature in at-least one individual affected with ADGRV1-Related Disorder without strong evidence for causality (example: Sloan-Heggen_2016). These report(s) do not provide unequivocal conclusions about association of the variant with ADGRV1-Related Disorders. To our knowledge, no experimental evidence demonstrating an impact on protein function has been reported. The following publication has been ascertained in the context of this evaluation (PMID: 26969326). ClinVar contains an entry for this variant (Variation ID: 1103677). Based on the evidence outlined above, the variant was classified as likely benign.

PreventionGenetics, part of Exact Sciences
Classification: Likely benign for ADGRV1-related condition. Last evaluated: 2024-11-25. Review status: criteria provided, single submitter. Criteria: ACMG Guidelines, 2015. Collection method: clinical testing. Allele origin: germline.
Comment: This variant is classified as likely benign based on ACMG/AMP sequence variant interpretation guidelines (Richards et al. 2015 PMID: 25741868, with internal and published modifications).

Blueprint Genetics
Classification: Likely benign. Last evaluated: 2023-08-14. Review status: criteria provided, single submitter. Criteria: ACMG Guidelines, 2015. Collection method: clinical testing. Allele origin: germline.

Fulgent Genetics
Classification: Likely benign for Febrile seizures, familial, 4; Usher syndrome type 2C. Last evaluated: 2022-05-03. Review status: criteria provided, single submitter. Criteria: ACMG Guidelines, 2015. Collection method: clinical testing. Allele origin: unknown.

GeneDx
Classification: Likely benign. Last evaluated: 2021-05-18. Review status: criteria provided, single submitter. Criteria: GeneDx Variant Classification Process June 2021. Collection method: clinical testing. Allele origin: germline. Affected: yes.
Comment: This variant is associated with the following publications: (PMID: 26969326)

Literature cited by the submitters: PubMed 26969326 (cited by Women's Health and Genetics/Laboratory Corporation of America, LabCorp).